The following is an entry in ClinVar:

NM_005227.3(EFNA4):c.108C>A (p.Asn36Lys)

Genes: ADAM15-EFNA4 (ADAM15-EFNA4 readthrough; plus strand), DCST1-AS1 (DCST1 antisense RNA 1; minus strand), EFNA4 (ephrin A4; plus strand), EFNA4-EFNA3 (EFNA4-EFNA3 readthrough; plus strand). Cytogenetic location: 1q21.3.
Variant type: single nucleotide variant.
Coding change: c.108C>A on transcript NM_005227.3 (MANE Select); coding-DNA position 108, C replaced by A.
Protein change: p.Asn36Lys; replaces asparagine 36 with lysine.
Molecular consequence: missense variant. On other transcripts: non-coding transcript variant (2), 5 prime UTR variant (1).
Genome position (GRCh38, 1-based): chr1:155,063,931, C>A. VCF-style: chr1-155063931-C-A. GRCh37 (hg19) VCF-style: chr1-155036407-C-A.
Other names: c.108C>A, p.Asn36Lys (NM_001407761.1, NM_182689.2, NM_182690.3); c.-240C>A (NM_001406810.1); short protein forms N36K.
Identifiers: ClinVar variation 2979191 (VCV002979191.3), dbSNP rs764545146, ClinGen allele CA342646446.
Genomic context (GRCh38, chr1:155,063,931, plus strand): 5'-CGGCTCCCCTCTGCGCGGGGGCTCCAGCCTCCGCCACGTAGTCTACTGGAACTCCAGTAA[C>A]CCCAGGTAGCCGGGCCGAACCGGGCGAGCGCACAGCCAAGTCTGCGCGCTCCCGGGCTTT-3'
Protein context (NP_005218.1, residues 26-46): LRHVVYWNSS[Asn36Lys]PRLLRGDAVV

ClinVar aggregate classification (germline): Uncertain significance (1 of 4 stars; one submission).

gnomAD v4.1: 1 of 1,555,700 alleles (0.000064%); highest among the groups gnomAD compares: African/African-American, 0.0014%; no homozygotes.

Submission:

Labcorp Genetics (formerly Invitae), Labcorp
Classification: Uncertain significance. Last evaluated: 2025-08-18. Review status: criteria provided, single submitter. Criteria: Invitae Variant Classification Sherloc (09022015). Collection method: clinical testing. Allele origin: germline.
Comment: This sequence change replaces asparagine, which is neutral and polar, with lysine, which is basic and polar, at codon 36 of the EFNA4 protein (p.Asn36Lys). This variant is not present in population databases (gnomAD no frequency). This variant has not been reported in the literature in individuals affected with EFNA4-related conditions. ClinVar contains an entry for this variant (Variation ID: 2979191). An algorithm developed to predict the effect of missense changes on protein structure and function (PolyPhen-2) suggests that this variant is likely to be disruptive. In summary, the available evidence is currently insufficient to determine the role of this variant in disease. Therefore, it has been classified as a Variant of Uncertain Significance.